The following is an entry in ClinVar:

NM_000718.4(CACNA1B):c.5737C>T (p.Arg1913Ter)

Gene: CACNA1B (calcium voltage-gated channel subunit alpha1 B; plus strand). Cytogenetic location: 9q34.3.
Variant type: single nucleotide variant.
Coding change: c.5737C>T on transcript NM_000718.4 (MANE Select); coding-DNA position 5737, C replaced by T.
Protein change: p.Arg1913Ter; replaces arginine 1913 with a stop codon.
Molecular consequence: nonsense.
Genome position (GRCh38, 1-based): chr9:138,115,639, C>T. VCF-style: chr9-138115639-C-T. GRCh37 (hg19) VCF-style: chr9-141010091-C-T.
Other names: c.5737C>T, p.Arg1913Ter (NM_001243812.2); short protein forms R1913*.
Identifiers: ClinVar variation 4764415 (VCV004764415.1).

ClinVar aggregate classification (germline): Pathogenic (1 of 4 stars; one submission).

gnomAD v4.1: 4 of 1,613,736 alleles (0.00025%); highest among the groups gnomAD compares: East Asian, 0.0022%; no homozygotes.

Submission:

Labcorp Genetics (formerly Invitae), Labcorp
Classification: Pathogenic. Last evaluated: 2025-04-18. Review status: criteria provided, single submitter. Criteria: Invitae Variant Classification Sherloc (09022015). Collection method: clinical testing. Allele origin: germline.
Comment: This sequence change creates a premature translational stop signal (p.Arg1913*) in the CACNA1B gene. It is expected to result in an absent or disrupted protein product. Loss-of-function variants in CACNA1B are known to be pathogenic (PMID: 30982612). This variant is present in population databases (rs755770252, gnomAD 0.0009%). This variant has not been reported in the literature in individuals affected with CACNA1B-related conditions. For these reasons, this variant has been classified as Pathogenic.

Literature cited by the submitters: PubMed 30982612.